The following is an entry in ClinVar:

NM_000088.4(COL1A1):c.96C>G (p.Asp32Glu)

Gene: COL1A1 (collagen type I alpha 1 chain; minus strand). Cytogenetic location: 17q21.33.
Variant type: single nucleotide variant.
Coding change: c.96C>G on transcript NM_000088.4 (MANE Select); coding-DNA position 96, C replaced by G.
Protein change: p.Asp32Glu; replaces aspartic acid 32 with glutamic acid.
Molecular consequence: missense variant.
Genome position (GRCh38, 1-based): chr17:50,201,418, G>C on the plus strand (C>G on the coding strand, the complement: COL1A1 is on the minus strand). VCF-style: chr17-50201418-G-C. GRCh37 (hg19) VCF-style: chr17-48278779-G-C.
Other names: short protein forms D32E.
Identifiers: ClinVar variation 3025863 (VCV003025863.24), dbSNP rs1293214060, ClinGen allele CA400230091.

ClinVar aggregate classification (germline): Conflicting classifications of pathogenicity. Review status: criteria provided, conflicting classifications (1 of 4 stars). 4 submissions from 4 submitters: Uncertain significance (3); Likely benign (1). Last evaluated 2026-03-01.

Conditions:
COL1A1-related disorder. Also called: COL1A1- related disease; COL1A1-related condition.
Cardiovascular phenotype. Identifiers: MedGen CN230736.

Allele frequency attached by ClinVar (database versions not stated): gnomAD 0.00001; TOPMed 0.00001.
gnomAD v4.1: 9 of 1,613,728 alleles (0.00056%); highest among the groups gnomAD compares: Non-Finnish European, 0.00076%; no homozygotes.

Submissions (4):

Ambry Genetics
Classification: Uncertain significance for Cardiovascular phenotype. Last evaluated: 2026-03-01. Review status: criteria provided, single submitter. Criteria: Ambry Variant Classification Scheme 2023. Collection method: clinical testing. Allele origin: germline.
Comment: The p.D32E variant (also known as c.96C>G), located in coding exon 1 of the COL1A1 gene, results from a C to G substitution at nucleotide position 96. The aspartic acid at codon 32 is replaced by glutamic acid, an amino acid with highly similar properties. This amino acid position is conserved. In addition, this alteration is predicted to be tolerated by in silico analysis. Based on the available evidence, the clinical significance of this variant remains unclear.

PreventionGenetics, part of Exact Sciences
Classification: Uncertain significance for COL1A1-related condition. Last evaluated: 2025-10-14. Review status: criteria provided, single submitter. Criteria: ACMG Guidelines, 2015. Collection method: clinical testing. Allele origin: germline.
Comment: The COL1A1 c.96C>G variant is predicted to result in the amino acid substitution p.Asp32Glu. To our knowledge, this variant has not been reported in the literature. This variant is reported in 0.00088% of alleles in individuals of European (Non-Finnish) descent in gnomAD. At this time, the clinical significance of this variant is uncertain due to the absence of conclusive functional and genetic evidence.

GeneDx
Classification: Uncertain significance. Last evaluated: 2024-03-06. Review status: criteria provided, single submitter. Criteria: GeneDx Variant Classification Process June 2021. Collection method: clinical testing. Allele origin: germline. Affected: yes.
Comment: Has not been previously published as pathogenic or benign to our knowledge; Not observed at significant frequency in large population cohorts (gnomAD); In silico analysis supports that this missense variant does not alter protein structure/function; Not located in the triple helical region, where the majority of pathogenic missense variants occur (HGMD)

CeGaT Center for Human Genetics Tuebingen
Classification: Likely benign. Last evaluated: 2024-01-01. Review status: criteria provided, single submitter. Criteria: CeGaT Center For Human Genetics Tuebingen Variant Classification Criteria Version 2. Collection method: clinical testing. Allele origin: germline. Affected: yes. Observed: 1 variant allele.
Comment: COL1A1: BP4, BS2